The following is an entry in ClinVar:

NM_002471.4(MYH6):c.4594C>G (p.Arg1532Gly)

Gene: MYH6 (myosin heavy chain 6; minus strand). Cytogenetic location: 14q11.2.
Variant type: single nucleotide variant.
Coding change: c.4594C>G on transcript NM_002471.4 (MANE Select); coding-DNA position 4594, C replaced by G.
Protein change: p.Arg1532Gly; replaces arginine 1532 with glycine.
Molecular consequence: missense variant.
Genome position (GRCh38, 1-based): chr14:23,387,585, G>C on the plus strand (C>G on the coding strand, the complement: MYH6 is on the minus strand). VCF-style: chr14-23387585-G-C. GRCh37 (hg19) VCF-style: chr14-23856794-G-C.
Other names: short protein forms R1532G.
Identifiers: ClinVar variation 1741727 (VCV001741727.4), dbSNP rs201827489, ClinGen allele CA7114708.
Genomic context (GRCh38, chr14:23,387,585, plus strand): 5'-TCACCTCTGCCTCCTCCAGGGCTGACTGCAGCTCCAGCTTCTCCACCTCCAGCTGTTTGC[G>C]GACCTTCTCCAGCTCATGCACATTCTTTCCTCCTTCTCCTAGCTGCTCAGTAAGGTCCGA-3'
Protein context (NP_002462.2, residues 1522-1542): GKNVHELEKV[Arg1532Gly]KQLEVEKLEL

ClinVar aggregate classification (germline): Uncertain significance. Review status: criteria provided, multiple submitters, no conflicts (2 of 4 stars). 2 submissions from 2 submitters: Uncertain significance (2). Last evaluated 2025-10-21.

Conditions:
Cardiovascular phenotype. Identifiers: MedGen CN230736.
Hypertrophic cardiomyopathy 14. Identifiers: MedGen C2750467, MONDO:0013197, OMIM 613251.

gnomAD v4.1: 68 of 1,613,936 alleles (0.0042%); highest among the groups gnomAD compares: Non-Finnish European, 0.0057%; no homozygotes.

Submissions (2):

Labcorp Genetics (formerly Invitae), Labcorp
Classification: Uncertain significance for Hypertrophic cardiomyopathy 14. Last evaluated: 2025-10-21. Review status: criteria provided, single submitter. Criteria: Invitae Variant Classification Sherloc (09022015). Collection method: clinical testing. Allele origin: germline.
Comment: This sequence change replaces arginine, which is basic and polar, with glycine, which is neutral and non-polar, at codon 1532 of the MYH6 protein (p.Arg1532Gly). This variant is present in population databases (rs201827489, gnomAD 0.006%). This variant has not been reported in the literature in individuals affected with MYH6-related conditions. ClinVar contains an entry for this variant (Variation ID: 1741727). Invitae Evidence Modeling of protein sequence and biophysical properties (such as structural, functional, and spatial information, amino acid conservation, physicochemical variation, residue mobility, and thermodynamic stability) indicates that this missense variant is expected to disrupt MYH6 protein function with a positive predictive value of 80%. In summary, the available evidence is currently insufficient to determine the role of this variant in disease. Therefore, it has been classified as a Variant of Uncertain Significance.

Ambry Genetics
Classification: Uncertain significance for Cardiovascular phenotype. Last evaluated: 2023-07-12. Review status: criteria provided, single submitter. Criteria: Ambry Variant Classification Scheme 2023. Collection method: clinical testing. Allele origin: germline.
Comment: The p.R1532G variant (also known as c.4594C>G), located in coding exon 30 of the MYH6 gene, results from a C to G substitution at nucleotide position 4594. The arginine at codon 1532 is replaced by glycine, an amino acid with dissimilar properties. This amino acid position is highly conserved in available vertebrate species. In addition, the in silico prediction for this alteration is inconclusive. Since supporting evidence is limited at this time, the clinical significance of this alteration remains unclear.